The following is an entry in ClinVar:

ClinVar aggregate classification (germline): Uncertain significance (1 of 4 stars; one submission).

Conditions:
Combined immunodeficiency due to DOCK8 deficiency (HIES2). Also called: HIES autosomal recessive; Hyper-IgE recurrent infection syndrome, autosomal recessive; DOCK8 Deficiency; HYPER-IgE RECURRENT INFECTION SYNDROME 2, AUTOSOMAL RECESSIVE; HYPER-IgE SYNDROME 2, AUTOSOMAL RECESSIVE, WITH RECURRENT INFECTIONS. Identifiers: Orphanet 217390, MedGen C4722305, MONDO:0009478, OMIM 243700.

Submission:

Labcorp Genetics (formerly Invitae), Labcorp
Classification: Uncertain significance for Combined immunodeficiency due to DOCK8 deficiency. Last evaluated: 2022-06-08. Review status: criteria provided, single submitter. Criteria: Invitae Variant Classification Sherloc (09022015). Collection method: clinical testing. Allele origin: germline.
Comment: This variant results in a copy number gain of the genomic region encompassing exon(s) 1 of the DOCK8 gene. This region includes the initiator codon of the gene. This copy number gain extends beyond the assayed region for this gene and therefore may encompass additional genes. As the precise location of this event is unknown, it may be in tandem or it may be located elsewhere in the genome. This variant has not been reported in the literature in individuals affected with DOCK8-related conditions. Experimental studies and prediction algorithms are not available or were not evaluated, and the functional significance of this variant is currently unknown. In summary, the available evidence is currently insufficient to determine the role of this variant in disease. Therefore, it has been classified as a Variant of Uncertain Significance.

NC_000009.11:g.(?_214977)_(215049_?)dup

Genes: DOCK8-AS1 (DOCK8 antisense RNA 1; minus strand), DOCK8 (dedicator of cytokinesis 8; plus strand). Cytogenetic location: 9p24.3.
Variant type: Duplication.
Identifiers: ClinVar variation 1004802 (VCV001004802.11).